The following is an entry in ClinVar:

NM_177438.3(DICER1):c.1504G>A (p.Glu502Lys)

Gene: DICER1 (dicer 1, ribonuclease III; minus strand). Cytogenetic location: 14q32.13.
Variant type: single nucleotide variant.
Coding change: c.1504G>A on transcript NM_177438.3 (MANE Select); coding-DNA position 1504, G replaced by A.
Protein change: p.Glu502Lys; replaces glutamic acid 502 with lysine.
Molecular consequence: missense variant.
Genome position (GRCh38, 1-based): chr14:95,117,627, C>T on the plus strand (G>A on the coding strand, the complement: DICER1 is on the minus strand). VCF-style: chr14-95117627-C-T. GRCh37 (hg19) VCF-style: chr14-95583964-C-T.
Other names: c.1504G>A, p.Glu502Lys (NM_001195573.1, NM_001271282.3, NM_001291628.2 and 1 more transcripts); short protein forms E502K.
Identifiers: ClinVar variation 850296 (VCV000850296.11), dbSNP rs1892592646, ClinGen allele CA390885384.

ClinVar aggregate classification (germline): Uncertain significance (1 of 4 stars; one submission).

Conditions:
DICER1-related tumor predisposition. Also called: DICER1 syndrome; DICER1-related pleuropulmonary blastoma cancer predisposition syndrome. Identifiers: Orphanet 284343, MedGen C3839822, MONDO:0100216.

Submission:

Labcorp Genetics (formerly Invitae), Labcorp
Classification: Uncertain significance for DICER1-related tumor predisposition. Last evaluated: 2019-11-26. Review status: criteria provided, single submitter. Criteria: Invitae Variant Classification Sherloc (09022015). Collection method: clinical testing. Allele origin: germline.
Comment: This sequence change replaces glutamic acid with lysine at codon 502 of the DICER1 protein (p.Glu502Lys). The glutamic acid residue is highly conserved and there is a small physicochemical difference between glutamic acid and lysine. This variant is not present in population databases (ExAC no frequency). In summary, the available evidence is currently insufficient to determine the role of this variant in disease. Therefore, it has been classified as a Variant of Uncertain Significance. Algorithms developed to predict the effect of missense changes on protein structure and function are either unavailable or do not agree on the potential impact of this missense change (SIFT: "Tolerated"; PolyPhen-2: "Probably Damaging"; Align-GVGD: "Class C0"). This variant has not been reported in the literature in individuals with DICER1-related conditions.